The following is an entry in ClinVar:

NM_000372.5(TYR):c.533G>A (p.Trp178Ter)

Gene: TYR (tyrosinase; plus strand). Cytogenetic location: 11q14.3.
Variant type: single nucleotide variant.
Coding change: c.533G>A on transcript NM_000372.5 (MANE Select); coding-DNA position 533, G replaced by A.
Protein change: p.Trp178Ter; replaces tryptophan 178 with a stop codon.
Molecular consequence: nonsense.
Genome position (GRCh38, 1-based): chr11:89,178,486, G>A. VCF-style: chr11-89178486-G-A. GRCh37 (hg19) VCF-style: chr11-88911654-G-A.
Other names: short protein forms W178*.
Identifiers: ClinVar variation 3784 (VCV000003784.7), dbSNP rs61754360, ClinGen allele CA227569.

ClinVar aggregate classification (germline): Pathogenic. Review status: criteria provided, multiple submitters, no conflicts (2 of 4 stars). 5 submissions from 5 submitters: Pathogenic (3). 2 of the submissions do not count toward it. Last evaluated 2025-07-10.

Conditions:
TYR-related disorder. Also called: TYR-related condition.
Oculocutaneous albinism type 1A (OCA1A). Also called: Albinism, oculocutaneous, type IA. Identifiers: Orphanet 352731, Orphanet 79431, MedGen C4551504, MONDO:0008745, OMIM 203100. Disease mechanism: loss of function.

Allele frequency attached by ClinVar (database versions not stated): ExAC 0.00001; gnomAD exomes 0.00001 and 0.00002; gnomAD 0.00003.
gnomAD v4.1: 14 of 1,614,092 alleles (0.00087%); highest among the groups gnomAD compares: African/African-American, 0.0013%; no homozygotes.

Submissions (5):

Labcorp Genetics (formerly Invitae), Labcorp
Classification: Pathogenic. Last evaluated: 2025-07-10. Review status: criteria provided, single submitter. Criteria: Invitae Variant Classification Sherloc (09022015). Collection method: clinical testing. Allele origin: germline.
Comment: This sequence change creates a premature translational stop signal (p.Trp178*) in the TYR gene. It is expected to result in an absent or disrupted protein product. Loss-of-function variants in TYR are known to be pathogenic (PMID: 23504663). This variant is present in population databases (rs61754360, gnomAD 0.02%). This premature translational stop signal has been observed in individual(s) with clinical features of oculocutaneous albinism (PMID: 1832718, 28976636, 31087526). ClinVar contains an entry for this variant (Variation ID: 3784). Algorithms developed to predict the effect of sequence changes on RNA splicing suggest that this variant may create or strengthen a splice site. For these reasons, this variant has been classified as Pathogenic.

Blueprint Genetics
Classification: Pathogenic for TYR-related disorders. Last evaluated: 2021-11-24. Review status: criteria provided, single submitter. Criteria: ACMG Guidelines, 2015. Collection method: clinical testing. Allele origin: germline. Affected: yes. Observed: 2 variant alleles.

Genome-Nilou Lab
Classification: Pathogenic for Oculocutaneous albinism type 1A. Last evaluated: 2021-07-22. Review status: criteria provided, single submitter. Criteria: ACMG Guidelines, 2015. Collection method: clinical testing. Allele origin: germline. Affected: no.

OMIM
Classification: Pathogenic for ALBINISM, OCULOCUTANEOUS, TYPE IA. Last evaluated: 1991-07-01. Review status: no assertion criteria provided. Collection method: literature only. Allele origin: germline. Not counted in ClinVar's aggregate classification.

Retina International
No classification provided. Review status: no classification provided. Collection method: not provided. Allele origin: not provided. Not counted in ClinVar's aggregate classification.

Literature cited by the submitters: PubMed 23504663 (cited by Labcorp Genetics (formerly Invitae), Labcorp); PubMed 1832718 (cited by Labcorp Genetics (formerly Invitae), Labcorp and OMIM); PubMed 28976636 (cited by Labcorp Genetics (formerly Invitae), Labcorp); PubMed 31087526 (cited by Labcorp Genetics (formerly Invitae), Labcorp).